The following is an entry in ClinVar:

ClinVar aggregate classification (germline): Uncertain significance. Review status: criteria provided, multiple submitters, no conflicts (2 of 4 stars). 3 submissions from 3 submitters: Uncertain significance (3). Last evaluated 2026-04-26.

Conditions:
Inborn genetic diseases. Identifiers: MedGen C0950123, MeSH D030342.
Wilms tumor 1 (WT1). Also called: Wilms tumor, somatic. Identifiers: Orphanet 654, MedGen CN033288, MONDO:0008679, OMIM 194070.
11p partial monosomy syndrome (WAGR). Also called: WAGR Spectrum Disorder; CHROMOSOME 11p13 DELETION SYNDROME; WAGR syndrome; WAGR Complex. Identifiers: Orphanet 893, MedGen C0206115, MONDO:0008681, OMIM 194072.
Frasier syndrome. Identifiers: Orphanet 347, MedGen C0950122, MeSH D052159, MONDO:0007635, OMIM 136680.
Drash syndrome (DDS). Also called: NEPHROPATHY, WILMS TUMOR, AND GENITAL ANOMALIES; WILMS TUMOR AND PSEUDO- OR TRUE HERMAPHRODITISM. Identifiers: Orphanet 220, MedGen C0950121, MONDO:0008682, OMIM 194080.

Allele frequency attached by ClinVar (database versions not stated): gnomAD exomes below 0.00001.
gnomAD v4.1: 1 of 1,614,142 alleles (0.000062%); highest among the groups gnomAD compares: Non-Finnish European, 0.000085%; no homozygotes.

Submissions (3):

Ambry Genetics
Classification: Uncertain significance for Inborn genetic diseases. Last evaluated: 2026-04-26. Review status: criteria provided, single submitter. Criteria: Ambry Variant Classification Scheme 2023. Collection method: clinical testing. Allele origin: germline.
Comment: The p.M392V variant (also known as c.1174A>G), located in coding exon 7 of the WT1 gene, results from an A to G substitution at nucleotide position 1174. The methionine at codon 392 is replaced by valine, an amino acid with highly similar properties. This amino acid position is conserved. In addition, this alteration is predicted to be tolerated by in silico analysis. Based on the available evidence, the clinical significance of this variant remains unclear.

GeneDx
Classification: Uncertain significance. Last evaluated: 2024-10-21. Review status: criteria provided, single submitter. Criteria: GeneDx Variant Classification Process June 2021. Collection method: clinical testing. Allele origin: germline. Affected: yes.
Comment: Not observed at significant frequency in large population cohorts (gnomAD); In silico analysis indicates that this missense variant does not alter protein structure/function; Has not been previously published as pathogenic or benign to our knowledge; This variant is associated with the following publications: (PMID: 17361230)

Labcorp Genetics (formerly Invitae), Labcorp
Classification: Uncertain significance for Wilms tumor 1; Drash syndrome; 11p partial monosomy syndrome; Frasier syndrome. Last evaluated: 2022-11-29. Review status: criteria provided, single submitter. Criteria: Invitae Variant Classification Sherloc (09022015). Collection method: clinical testing. Allele origin: germline.
Comment: This sequence change replaces methionine, which is neutral and non-polar, with valine, which is neutral and non-polar, at codon 392 of the WT1 protein (p.Met392Val). This variant is not present in population databases (gnomAD no frequency). This variant has not been reported in the literature in individuals affected with WT1-related conditions. Algorithms developed to predict the effect of missense changes on protein structure and function are either unavailable or do not agree on the potential impact of this missense change (SIFT: "Deleterious"; PolyPhen-2: "Probably Damaging"; Align-GVGD: "Class C15"). In summary, the available evidence is currently insufficient to determine the role of this variant in disease. Therefore, it has been classified as a Variant of Uncertain Significance.

NM_024426.6(WT1):c.1189A>G (p.Met397Val)

Gene: WT1 (WT1 transcription factor; minus strand). Cytogenetic location: 11p13.
Variant type: single nucleotide variant.
Coding change: c.1189A>G on transcript NM_024426.6 (MANE Select); coding-DNA position 1189, A replaced by G.
Protein change: p.Met397Val; replaces methionine 397 with valine.
Molecular consequence: missense variant. On other transcripts: initiator codon variant (1), non-coding transcript variant (2).
Genome position (GRCh38, 1-based): chr11:32,396,332, T>C on the plus strand (A>G on the coding strand, the complement: WT1 is on the minus strand). VCF-style: chr11-32396332-T-C. GRCh37 (hg19) VCF-style: chr11-32417878-T-C.
Other names: c.1A>G, p.Met1Val (NM_001367854.1); c.1183A>G, p.Met395Val (NM_001407044.1); c.1138A>G, p.Met380Val (NM_001407045.1, NM_001407048.1, NM_001407049.1 and 1 more transcripts); c.1189A>G, p.Met397Val (NM_001407046.1, NM_024424.5); c.1066A>G, p.Met356Val (NM_001407047.1); c.1015A>G, p.Met339Val (NM_001407050.1); c.427A>G, p.Met143Val (NM_001407051.1); c.1123A>G, p.Met375Val (NM_024425.2); and 3 more; short protein forms M163V, M380V, M395V, M143V, M339V, M392V, M397V, M180V.
Identifiers: ClinVar variation 2931297 (VCV002931297.4), dbSNP rs2132940413, ClinGen allele CA379959936.